The following is an entry in ClinVar:

NM_138477.4(CDAN1):c.2776G>A (p.Gly926Arg)

Gene: CDAN1 (codanin 1; minus strand). Cytogenetic location: 15q15.2.
Variant type: single nucleotide variant.
Coding change: c.2776G>A on transcript NM_138477.4 (MANE Select); coding-DNA position 2776, G replaced by A.
Protein change: p.Gly926Arg; replaces glycine 926 with arginine.
Molecular consequence: missense variant.
Genome position (GRCh38, 1-based): chr15:42,728,680, C>T on the plus strand (G>A on the coding strand, the complement: CDAN1 is on the minus strand). VCF-style: chr15-42728680-C-T. GRCh37 (hg19) VCF-style: chr15-43020878-C-T.
Other names: short protein forms G926R.
Identifiers: ClinVar variation 887008 (VCV000887008.10), dbSNP rs200401359, ClinGen allele CA7515475.

ClinVar aggregate classification (germline): Conflicting classifications of pathogenicity. Review status: criteria provided, conflicting classifications (1 of 4 stars). 4 submissions from 4 submitters: Uncertain significance (3); Likely benign (1). Last evaluated 2026-01-02.

Conditions:
Congenital dyserythropoietic anemia, type I. Also called: Dyserythropoietic anemia, congenital type 1. Identifiers: Orphanet 98869, MedGen C0271933, MONDO:0020337. Disease mechanism: loss of function.
Anemia, congenital dyserythropoietic, type 1a (CDAN1A). Also called: DYSERYTHROPOIETIC ANEMIA, CONGENITAL, TYPE Ia; CDAN1-Related Congenital Dyserythropoietic Anemia. Identifiers: MedGen C5574667, MONDO:0009135, OMIM 224120.

Allele frequency attached by ClinVar (database versions not stated): gnomAD exomes 0.00020 and 0.00039; TOPMed 0.00022; 1000 Genomes Project 30x 0.00031; ExAC 0.00036; 1000 Genomes Project 0.00040.
gnomAD v4.1: 319 of 1,614,174 alleles (0.02%); highest among the groups gnomAD compares: East Asian, 0.16%; 1 homozygote.

Submissions (4):

Labcorp Genetics (formerly Invitae), Labcorp
Classification: Likely benign. Last evaluated: 2026-01-02. Review status: criteria provided, single submitter. Criteria: Invitae Variant Classification Sherloc (09022015). Collection method: clinical testing. Allele origin: germline.

ARUP Laboratories, Molecular Genetics and Genomics, ARUP Laboratories
Classification: Uncertain significance for Anemia, congenital dyserythropoietic, type 1a. Last evaluated: 2025-01-02. Review status: criteria provided, single submitter. Criteria: ARUP Molecular Germline Variant Investigation Process 2024. Collection method: clinical testing. Allele origin: germline.
Comment: The CDAN1 c.2776G>A; p.Gly926Arg variant (rs200401359), to our knowledge, is not reported in the medical literature but is reported in ClinVar (Variation ID: 887008). This variant is found in the general population with an overall allele frequency of 0.04% (105/282280 alleles) in the Genome Aggregation Database (v2.1.1). Computational analyses predict that this variant is deleterious (REVEL: 0.703). Due to limited information, the clinical significance of this variant is uncertain at this time.

Blueprint Genetics
Classification: Uncertain significance. Last evaluated: 2024-08-30. Review status: criteria provided, single submitter. Criteria: ACMG Guidelines, 2015. Collection method: clinical testing. Allele origin: germline.

Illumina Laboratory Services, Illumina
Classification: Uncertain significance for Anemia, congenital dyserythropoietic, type 1a. Last evaluated: 2018-01-13. Review status: criteria provided, single submitter. Criteria: ICSL Variant Classification Criteria 13 December 2019. Collection method: clinical testing. Allele origin: germline.